The following is an entry in ClinVar:

ClinVar aggregate classification (germline): Uncertain significance. Review status: criteria provided, multiple submitters, no conflicts (2 of 4 stars). 2 submissions from 2 submitters: Uncertain significance (2). Last evaluated 2022-05-27.

Conditions:
Nemaline myopathy 2 (NEM2). Also called: Nemaline myopathy 2, autosomal recessive. Identifiers: MedGen C1850569, MONDO:0009725, OMIM 256030.

Allele frequency attached by ClinVar (database versions not stated): TOPMed 0.00001; gnomAD exomes 0.00002; gnomAD 0.00003.
gnomAD v4.1: 39 of 1,613,036 alleles (0.0024%); highest among the groups gnomAD compares: African/African-American, 0.0027%; no homozygotes.

Submissions (2):

Labcorp Genetics (formerly Invitae), Labcorp
Classification: Uncertain significance for Nemaline myopathy 2. Last evaluated: 2022-05-27. Review status: criteria provided, single submitter. Criteria: Invitae Variant Classification Sherloc (09022015). Collection method: clinical testing. Allele origin: germline.
Comment: This sequence change replaces proline, which is neutral and non-polar, with serine, which is neutral and polar, at codon 3750 of the NEB protein (p.Pro3750Ser). This variant is present in population databases (no rsID available, gnomAD 0.004%). This variant has not been reported in the literature in individuals affected with NEB-related conditions. Algorithms developed to predict the effect of missense changes on protein structure and function are either unavailable or do not agree on the potential impact of this missense change (SIFT: "Deleterious"; PolyPhen-2: "Not Available"; Align-GVGD: "Class C0"). In summary, the available evidence is currently insufficient to determine the role of this variant in disease. Therefore, it has been classified as a Variant of Uncertain Significance.

Revvity Omics, Revvity
Classification: Uncertain significance. Last evaluated: 2019-12-12. Review status: criteria provided, single submitter. Criteria: ACMG Guidelines, 2015. Collection method: clinical testing. Allele origin: germline.

NM_001164508.2(NEB):c.11248C>T (p.Pro3750Ser)

Gene: NEB (nebulin; minus strand). Cytogenetic location: 2q23.3.
Variant type: single nucleotide variant.
Coding change: c.11248C>T on transcript NM_001164508.2 (MANE Select); coding-DNA position 11248, C replaced by T.
Protein change: p.Pro3750Ser; replaces proline 3750 with serine.
Molecular consequence: missense variant.
Genome position (GRCh38, 1-based): chr2:151,616,043, G>A on the plus strand (C>T on the coding strand, the complement: NEB is on the minus strand). VCF-style: chr2-151616043-G-A. GRCh37 (hg19) VCF-style: chr2-152472557-G-A.
Other names: c.11248C>T, p.Pro3750Ser (NM_001164507.2, NM_001271208.2); c.10519C>T, p.Pro3507Ser (NM_004543.5); short protein forms P3750S, P3507S.
Identifiers: ClinVar variation 2060260 (VCV002060260.4), dbSNP rs1429759846, ClinGen allele CA348783850.